The following is an entry in ClinVar:

NM_001710.6(CFB):c.1805G>C (p.Gly602Ala)

Gene: CFB (complement factor B; plus strand). Cytogenetic location: 6p21.33.
Variant type: single nucleotide variant.
Coding change: c.1805G>C on transcript NM_001710.6 (MANE Select); coding-DNA position 1805, G replaced by C.
Protein change: p.Gly602Ala; replaces glycine 602 with alanine.
Molecular consequence: missense variant.
Genome position (GRCh38, 1-based): chr6:31,950,894, G>C. VCF-style: chr6-31950894-G-C. GRCh37 (hg19) VCF-style: chr6-31918671-G-C.
Other names: short protein forms G602A.
Identifiers: ClinVar variation 3905845 (VCV003905845.10).

ClinVar aggregate classification (germline): Uncertain significance (1 of 4 stars; one submission).

Submission:

CeGaT Center for Human Genetics Tuebingen
Classification: Uncertain significance. Last evaluated: 2025-05-01. Review status: criteria provided, single submitter. Criteria: CeGaT Center For Human Genetics Tuebingen Variant Classification Criteria Version 2. Collection method: clinical testing. Allele origin: germline. Affected: yes. Observed: 1 variant allele.
Comment: CFB: PM2, BP4